The following is an entry in ClinVar:

ClinVar aggregate classification (germline): Uncertain significance (1 of 4 stars; one submission).

Conditions:
Hereditary hyperekplexia. Identifiers: Orphanet 3197, MedGen C4084968, MONDO:0021022.

Allele frequency attached by ClinVar (database versions not stated): TOPMed below 0.00001; ExAC 0.00001; gnomAD exomes 0.00001.
gnomAD v4.1: 6 of 1,608,780 alleles (0.00037%); highest among the groups gnomAD compares: Non-Finnish European, 0.00051%; no homozygotes.

Submission:

Labcorp Genetics (formerly Invitae), Labcorp
Classification: Uncertain significance for Hereditary hyperekplexia. Last evaluated: 2025-03-03. Review status: criteria provided, single submitter. Criteria: Invitae Variant Classification Sherloc (09022015). Collection method: clinical testing. Allele origin: germline.
Comment: This sequence change replaces arginine, which is basic and polar, with cysteine, which is neutral and slightly polar, at codon 361 of the GLRA1 protein (p.Arg361Cys). This variant is present in population databases (rs748241173, gnomAD 0.002%). This variant has not been reported in the literature in individuals affected with GLRA1-related conditions. ClinVar contains an entry for this variant (Variation ID: 654577). Invitae Evidence Modeling of protein sequence and biophysical properties (such as structural, functional, and spatial information, amino acid conservation, physicochemical variation, residue mobility, and thermodynamic stability) indicates that this missense variant is not expected to disrupt GLRA1 protein function with a negative predictive value of 80%. In summary, the available evidence is currently insufficient to determine the role of this variant in disease. Therefore, it has been classified as a Variant of Uncertain Significance.

NM_000171.4(GLRA1):c.1081C>T (p.Arg361Cys)

Gene: GLRA1 (glycine receptor alpha 1; minus strand). Cytogenetic location: 5q33.1.
Variant type: single nucleotide variant.
Coding change: c.1081C>T on transcript NM_000171.4 (MANE Select); coding-DNA position 1081, C replaced by T.
Protein change: p.Arg361Cys; replaces arginine 361 with cysteine.
Molecular consequence: missense variant.
Genome position (GRCh38, 1-based): chr5:151,822,942, G>A on the plus strand (C>T on the coding strand, the complement: GLRA1 is on the minus strand). VCF-style: chr5-151822942-G-A. GRCh37 (hg19) VCF-style: chr5-151202503-G-A.
Other names: c.1105C>T, p.Arg369Cys (NM_001146040.2); c.832C>T, p.Arg278Cys (NM_001292000.2); short protein forms R361C, R369C, R278C.
Identifiers: ClinVar variation 654577 (VCV000654577.10), dbSNP rs748241173, ClinGen allele CA3523513.